The following is an entry in ClinVar:

ClinVar aggregate classification (germline): Pathogenic. Review status: criteria provided, multiple submitters, no conflicts (2 of 4 stars). 6 submissions from 6 submitters: Pathogenic (5). 1 of the submissions does not count toward it. Last evaluated 2025-02-13.

Conditions:
Autosomal recessive nonsyndromic hearing loss 3. Also called: NEUROSENSORY NONSYNDROMIC RECESSIVE DEAFNESS 3. Identifiers: Orphanet 90636, MedGen C1838263, MONDO:0010860, OMIM 600316.
MYO15A-related disorder. Also called: MYO15A-related condition.

Allele frequency attached by ClinVar (database versions not stated): gnomAD exomes 0.00001; TOPMed 0.00001; ExAC 0.00002; gnomAD 0.00002; ESP Exome Variant Server 0.00008.
gnomAD v4.1: 22 of 1,612,944 alleles (0.0014%); highest among the groups gnomAD compares: Middle Eastern, 0.016%; no homozygotes.

Submissions (6):

Labcorp Genetics (formerly Invitae), Labcorp
Classification: Pathogenic. Last evaluated: 2025-02-13. Review status: criteria provided, single submitter. Criteria: Invitae Variant Classification Sherloc (09022015). Collection method: clinical testing. Allele origin: germline.
Comment: This sequence change affects a donor splice site in intron 13 of the MYO15A gene. It is expected to disrupt RNA splicing. Variants that disrupt the donor or acceptor splice site typically lead to a loss of protein function (PMID: 16199547), and loss-of-function variants in MYO15A are known to be pathogenic (PMID: 17546645). This variant is present in population databases (rs368931546, gnomAD 0.004%). Disruption of this splice site has been observed in individual(s) with autosomal recessive deafness (PMID: 28390610, 30953472). In at least one individual the data is consistent with being in trans (on the opposite chromosome) from a pathogenic variant. This variant is also known as IVS12+1G>A. ClinVar contains an entry for this variant (Variation ID: 2501664). Algorithms developed to predict the effect of sequence changes on RNA splicing suggest that this variant may disrupt the consensus splice site. For these reasons, this variant has been classified as Pathogenic.

Dasa
Classification: Pathogenic. Last evaluated: 2025-01-24. Review status: criteria provided, single submitter. Criteria: DASA Assertion Criteria. Collection method: clinical testing. Allele origin: germline.
Comment: NM_016239.4(MYO15A):c.4596+1G>A introduces a premature termination codon predicted to result in loss of normal protein function. Loss-of-function is an established mechanism of disease for this gene. This variant has been observed in affected individuals with related phenotype in a genotype context consistent with recessive disease (PMID: 28390610; PMID: 30953472). This variant has been recurrently observed in individuals with related phenotype (PMID: 28390610; PMID: 30953472). The variant is present at low frequency in population datasets. Based on the available data, this variant is classified as pathogenic.

Women's Health and Genetics/Laboratory Corporation of America, LabCorp
Classification: Pathogenic for Autosomal recessive nonsyndromic hearing loss 3. Last evaluated: 2024-11-22. Review status: criteria provided, single submitter. Criteria: LabCorp Variant Classification Summary - May 2015. Collection method: clinical testing. Allele origin: germline.
Comment: Variant summary: MYO15A c.4596+1G>A is located in a canonical splice-site and is predicted to affect mRNA splicing resulting in a significantly altered protein due to either exon skipping, shortening, or inclusion of intronic material. Variants that disrupt the consensus splice site are a relatively common cause of aberrant splicing and loss of MYO15A function. Several computational tools predict a significant impact on normal splicing: Four predict the variant abolishes a 5' splicing donor site. However, these predictions have yet to be confirmed by functional studies. The variant allele was found at a frequency of 1.2e-05 in 246024 control chromosomes (gnomAD). c.4596+1G>A has been reported in the literature in individuals affected with autosomal recessive nonsyndromic hearing loss (example: Fu_2022, Motavaf_2017, Zhang_2019). These data indicate that the variant is likely to be associated with disease. To our knowledge, no experimental evidence demonstrating an impact on protein function has been reported. The following publications have been ascertained in the context of this evaluation (PMID: 35346193, 28390610, 30953472). ClinVar contains an entry for this variant (Variation ID: 2501664). Based on the evidence outlined above, the variant was classified as pathogenic.

ENT and Head and Neck Research Center and Department,  The Five Senses Health Institute, Iran University of Medical Sciences
Classification: Pathogenic for Autosomal recessive nonsyndromic hearing loss 3. Last evaluated: 2024-11-02. Review status: criteria provided, single submitter. Criteria: ClinGen HL ACMG Specifications v1. Collection method: clinical testing. Allele origin: germline. Affected: yes.
Comment: PVS1: Null variant (intronic within ±2 of splice site) in gene MYO15A. Loss-of-function is a known mechanism of disease (gene has 448 reported pathogenic LOF variants)., PM2: Null variant (intronic within ±2 of splice site) in gene MYO15A. Loss-of-function is a known mechanism of disease (gene has 448 reported pathogenic LOF variants)., PM3: For recessive disorders, identifying a variant in trans, PP5; PMID:17546645

Blueprint Genetics
Classification: Pathogenic for MYO15A-related disorders. Last evaluated: 2022-10-24. Review status: criteria provided, single submitter. Criteria: ACMG Guidelines, 2015. Collection method: clinical testing. Allele origin: germline. Affected: yes. Observed: 5 variant alleles.

Payam Genetics Center, General Welfare Department of North Khorasan Province
Classification: Pathogenic for Autosomal recessive nonsyndromic hearing loss 3. Last evaluated: 2023-03-01. Review status: no assertion criteria provided. Collection method: clinical testing. Allele origin: germline. Affected: yes. Observed: 2 variant alleles. Not counted in ClinVar's aggregate classification.
Comment: This variant c.4596+1G>T on the MYO15A was not found in 1000G,ExAC,GnomAD exome genome and Iranom. At this family two sisters with deafness have been detected whit homozygous mutation on yours MYO15A genes and parents are first cousin, therefore this variant classified as Pathogenic.

Literature cited by the submitters: PubMed 16199547 (cited by Labcorp Genetics (formerly Invitae), Labcorp); PubMed 17546645 (cited by Labcorp Genetics (formerly Invitae), Labcorp); PubMed 28390610 (cited by 3 submitters); PubMed 30953472 (cited by 3 submitters); PubMed 35346193 (cited by Women's Health and Genetics/Laboratory Corporation of America, LabCorp); DOI 10.1038/s41598-025-99417-7 (cited by ENT and Head and Neck Research Center and Department,  The Five Senses Health Institute, Iran University of Medical Sciences).

NM_016239.4(MYO15A):c.4596+1G>A

Gene: MYO15A (myosin XVA; plus strand). Cytogenetic location: 17p11.2.
Variant type: single nucleotide variant.
Coding change: c.4596+1G>A on transcript NM_016239.4 (MANE Select); the canonical splice donor site of the intron after coding-DNA position 4596, G replaced by A.
Molecular consequence: splice donor variant.
Genome position (GRCh38, 1-based): chr17:18,135,825, G>A. VCF-style: chr17-18135825-G-A. GRCh37 (hg19) VCF-style: chr17-18039139-G-A.
Identifiers: ClinVar variation 2501664 (VCV002501664.9), dbSNP rs368931546, ClinGen allele CA8423941.